The following is an entry in ClinVar:

NM_000552.5(VWF):c.6104G>A (p.Gly2035Asp)

Gene: VWF (von Willebrand factor; minus strand). Cytogenetic location: 12p13.31.
Variant type: single nucleotide variant.
Coding change: c.6104G>A on transcript NM_000552.5 (MANE Select); coding-DNA position 6104, G replaced by A.
Protein change: p.Gly2035Asp; replaces glycine 2035 with aspartic acid.
Molecular consequence: missense variant.
Genome position (GRCh38, 1-based): chr12:5,994,567, C>T on the plus strand (G>A on the coding strand, the complement: VWF is on the minus strand). VCF-style: chr12-5994567-C-T. GRCh37 (hg19) VCF-style: chr12-6103733-C-T.
Other names: NM_000552.5(VWF):c.6104G>A; p.Gly2035Asp; c.6104G>A (NM_000552.3); short protein forms G2035D.
Identifiers: ClinVar variation 1723280 (VCV001723280.4), dbSNP rs186806674, ClinGen allele CA6402069.

ClinVar aggregate classification (germline): Uncertain significance. Review status: reviewed by expert panel (3 of 4 stars). 4 submissions from 4 submitters: Uncertain significance (1). 3 of the submissions do not count toward it. Last evaluated 2024-08-13.

Conditions:
Hereditary von Willebrand disease. Identifiers: Orphanet 903, MedGen C5703318, MONDO:0019565. Inheritance: Autosomal recessive or Autosomal dominant.
VWF-related disorder. Also called: VWF-related disorders; VWF-related condition.

Allele frequency attached by ClinVar (database versions not stated): gnomAD 0.00023; TOPMed 0.00023; ExAC 0.00035; 1000 Genomes Project 30x 0.00141; 1000 Genomes Project 0.00180.
gnomAD v4.1: 199 of 1,613,892 alleles (0.012%); highest among the groups gnomAD compares: East Asian, 0.41%; 2 homozygotes.

Submissions (4):

ClinGen von Willebrand Disease Variant Curation Expert Panel, ClinGen
Classification: Uncertain significance for Hereditary von Willebrand disease. Last evaluated: 2024-08-13. Review status: reviewed by expert panel. Criteria: ClinGen VWD 2A B M Rules. Collection method: curation. Allele origin: germline.
Comment: NM_000552.5:c.6104G>A is a missense variant in VWF that replaces glycine with aspartic acid at position 2035. The Grpmax filtering allele frequency in gnomAD v4.1 is 0.003657 (based on 186/44882 alleles in the East Asian population, with 2 homozygotes), which is between the ClinGen VWD VCEP thresholds for BS1 (>0.01) and PM2_Supporting (<0.0001), failing to meet either criterion. This variant has been reported in the heterozygous state in at least one patient with a mildly abnormal bleeding score and reduced quantity of von Willebrand factor, which together are consistent with but not highly specific for VWD Type 1 (PMID: 28536718). This variant also has been reported in at least 1 individual with VWD Type 3, who was compound heterozygous for the variant in trans with the NM_000552.5(VWF):c.3365C>T (p.Thr1122Met) variant. PM3 was not considered due to the absence of phenotype details to confirm the diagnosis (PMID: 34490048). The computation predictor REVEL gives a score of 0.071, which is below the ClinGen VWD VCEP BP4 threshold of <0.290 and does not predict a damaging effect on VWF function. However, the computational splicing predictor SpliceAI gives the variant a delta score of 0.13 for splice donor gain, indicating an inconclusive impact on splicing. In summary, this variant meets the criteria to be classified as a variant of unknown significance for hereditary von Willebrand disease based on the absence of any ACMG/AMP criteria applied, as specified by the ClinGen VWD VCEP.

PreventionGenetics, part of Exact Sciences
Classification: Uncertain significance for VWF-related condition. Last evaluated: 2026-02-19. Review status: criteria provided, single submitter. Criteria: ACMG Guidelines, 2015. Collection method: clinical testing. Allele origin: germline. Not counted in ClinVar's aggregate classification.
Comment: The VWF c.6104G>A variant is predicted to result in the amino acid substitution p.Gly2035Asp. This variant has been reported in individuals with mild type 1 von Willebrand Disease (Liang et al. 2017. PubMed ID: 28536718). It has also been reported in the compound heterozygous state in an individual with von Willebrand disease type 3 (Ouyang et al. 2021. PubMed ID: 34490048). This variant has been classified as a variant of uncertain significance by the ClinGen von Willebrand Disease Variant Curation Expert Panel. This variant is reported in 0.56% of alleles in individuals of East Asian descent in gnomAD. At this time, the clinical significance of this variant is uncertain due to the absence of conclusive functional and genetic evidence.

GeneDx
Classification: Uncertain significance. Last evaluated: 2025-04-25. Review status: criteria provided, single submitter. Criteria: GeneDx Variant Classification Process June 2021. Collection method: clinical testing. Allele origin: germline. Affected: yes. Not counted in ClinVar's aggregate classification.
Comment: Identified in individuals with a reported diagnosis of mild type 1 von Willebrand disease in the published literature, however, the clinical data provided were not specific and segregation information was not included (PMID: 28536718); Identified in trans with a second VWF variant in a patient with a diagnosis of von Willebrand type 3, however, specific clinical information was not included (PMID: 34490048); In silico analysis indicates that this missense variant does not alter protein structure/function; This variant is associated with the following publications: (PMID: 31180159, 37763159, 37647632, 34490048, 28536718)

Women's Health and Genetics/Laboratory Corporation of America, LabCorp
Classification: Likely benign. Last evaluated: 2022-10-11. Review status: criteria provided, single submitter. Criteria: LabCorp Variant Classification Summary - May 2015. Collection method: clinical testing. Allele origin: germline. Not counted in ClinVar's aggregate classification.
Comment: Variant summary: VWF c.6104G>A (p.Gly2035Asp) results in a non-conservative amino acid change located in the 4th type D domain (IPR001846) of the encoded protein sequence. Three of four in-silico tools predict a benign effect of the variant on protein function. The variant allele was found at a frequency of 0.00043 in 251228 control chromosomes in the gnomAD database, including 2 homozygotes. However the variant is reported with even higher allele frequencies in several East Asian subpopulations, including the Japanese (0.0014 in the jMorp database), Chinese (0.0046 in ChinaMAP), and Vietnamese (0.016 in the Vietnamese-KHV, Le_2019), suggesting that the variant might be benign. The variant, c.6104G>A, has been reported in the literature in 3 Chinese individuals affected with a mild type 1 Von Willebrand Disease, however without providing supporting evidence for causality (Liang_2017). This report does not provide unequivocal conclusions about association of the variant with Von Willebrand Disease. To our knowledge, no experimental evidence demonstrating an impact on protein function has been reported. No clinical diagnostic laboratories have submitted clinical-significance assessments for this variant to ClinVar after 2014. Based on the evidence outlined above, the variant was classified as likely benign.

Literature cited by the submitters: PubMed 31180159 (cited by Women's Health and Genetics/Laboratory Corporation of America, LabCorp); PubMed 28536718 (cited by Women's Health and Genetics/Laboratory Corporation of America, LabCorp); PubMed 34490048 (cited by Women's Health and Genetics/Laboratory Corporation of America, LabCorp).